The following is an entry in ClinVar:

NM_001165963.4(SCN1A):c.4852_4852+14del

Genes: SCN1A (sodium voltage-gated channel alpha subunit 1; minus strand), LOC102724058 (uncharacterized LOC102724058; plus strand). Cytogenetic location: 2q24.3.
Variant type: Deletion.
Coding change: c.4852_4852+14del on transcript NM_001165963.4 (MANE Select); coding-DNA position 4852 through 14 bases into the intron after coding-DNA position 4852, 15 bases deleted (GGTAAGAAATATTTA).
Molecular consequence: splice donor variant.
Genome position (GRCh38, 1-based): chr2:165,994,132-165,994,146, TAAATATTTCTTACC deleted on the plus strand (GGTAAGAAATATTTA on the coding strand, the reverse complement: SCN1A is on the minus strand); deleting any 15 consecutive bases within chr2:165,994,132-165,994,148 gives the same sequence; the c. name uses the placement nearest the transcript's 3' end. VCF-style (leftmost placement, unchanged base first): chr2-165994131-TTAAATATTTCTTACC-T. GRCh37 (hg19) VCF-style: chr2-166850641-TTAAATATTTCTTACC-T.
Other names: c.4819_4819+14del (NM_001353949.2, NM_001353950.2, NM_001353951.2 and 2 more transcripts); c.4768_4768+14del (NM_001353958.2, NM_001353957.2, NM_001165964.3); c.4852_4852+14del (NM_001202435.3, NM_001353948.2); c.4816_4816+14del (NM_001353955.2, NM_001353954.2); c.4765_4765+14del (NM_001353960.2); c.2410_2410+14del (NM_001353961.2).
Identifiers: ClinVar variation 3255524 (VCV003255524.1).

ClinVar aggregate classification (germline): Likely pathogenic (1 of 4 stars; one submission).

Conditions:
Severe myoclonic epilepsy in infancy (DRVT). Also called: Dravet syndrome; Epileptic encephalopathy, early infantile, 6 (Dravet syndrome); Severe Myoclonic Epilepsy in Infancy (SMEI); SEVERE MYOCLONIC EPILEPSY OF INFANCY; DEVELOPMENTAL AND EPILEPTIC ENCEPHALOPATHY 6A. Identifiers: Orphanet 33069, MedGen C0751122, MONDO:0100135, OMIM 607208.

Submission:

Unidad de Genómica Garrahan, Hospital de Pediatría Garrahan
Classification: Likely pathogenic for Severe myoclonic epilepsy in infancy. Last evaluated: 2024-01-01. Review status: criteria provided, single submitter. Criteria: ACMG Guidelines, 2015. Collection method: clinical testing. Allele origin: germline. Affected: yes. Observed: 1 variant allele.
Comment: Heterozygous splicing variant affecting the donor site of the exon 28, predicted to result in a null variant, in a gene where loss of function is a known mechanism of disease (PVS1). Predicted exon skipping would result in altered reading frame. The variant has extremely low frequency in gnomAD population database (PM2mod).